The following is an entry in ClinVar:

ClinVar aggregate classification (germline): Uncertain significance (1 of 4 stars; one submission).

Conditions:
Hereditary cancer-predisposing syndrome. Also called: Hereditary neoplastic syndrome; Neoplastic Syndromes, Hereditary; Tumor predisposition; Hereditary Cancer Syndrome. Identifiers: Orphanet 140162, MedGen C0027672, MeSH D009386, MONDO:0015356.

gnomAD v4.1: 2 of 1,614,154 alleles (0.00012%); highest among the groups gnomAD compares: African/African-American, 0.0013%; no homozygotes.

Submission:

Ambry Genetics
Classification: Uncertain significance for Hereditary cancer-predisposing syndrome. Last evaluated: 2025-08-23. Review status: criteria provided, single submitter. Criteria: Ambry Variant Classification Scheme 2023. Collection method: clinical testing. Allele origin: germline.
Comment: The p.K398E variant (also known as c.1192A>G), located in coding exon 12 of the POLE gene, results from an A to G substitution at nucleotide position 1192. The lysine at codon 398 is replaced by glutamic acid, an amino acid with similar properties. This amino acid position is conserved. In addition, the in silico prediction for this alteration is inconclusive. Based on the available evidence, the clinical significance of this variant remains unclear.

NM_006231.4(POLE):c.1192A>G (p.Lys398Glu)

Gene: POLE (DNA polymerase epsilon, catalytic subunit; minus strand). Cytogenetic location: 12q24.33.
Variant type: single nucleotide variant.
Coding change: c.1192A>G on transcript NM_006231.4 (MANE Select); coding-DNA position 1192, A replaced by G.
Protein change: p.Lys398Glu; replaces lysine 398 with glutamic acid.
Molecular consequence: missense variant.
Genome position (GRCh38, 1-based): chr12:132,675,432, T>C on the plus strand (A>G on the coding strand, the complement: POLE is on the minus strand). VCF-style: chr12-132675432-T-C. GRCh37 (hg19) VCF-style: chr12-133252018-T-C.
Other names: short protein forms K398E.
Identifiers: ClinVar variation 4141222 (VCV004141222.1).